The following is an entry in ClinVar:

ClinVar aggregate classification (germline): Conflicting classifications of pathogenicity. Review status: criteria provided, conflicting classifications (1 of 4 stars). 4 submissions from 4 submitters: Likely pathogenic (2); Uncertain significance (2). Last evaluated 2025-11-17.

Conditions:
Structural heart defects and renal anomalies syndrome (SHDRA). Identifiers: Orphanet 689822, MedGen C4479549, MONDO:0044321, OMIM 617478.

Submissions (4):

First Genomix Gene Laboratory, Genetic Diagnostics Department
Classification: Likely pathogenic for Structural heart defects and renal anomalies syndrome. Last evaluated: 2025-11-17. Review status: criteria provided, single submitter. Criteria: ACMG Guidelines, 2015. Collection method: clinical testing. Allele origin: germline. Inheritance: Autosomal recessive inheritance. Affected: no. Observed: 1 variant allele.

GeneDx
Classification: Uncertain significance. Last evaluated: 2025-08-06. Review status: criteria provided, single submitter. Criteria: GeneDx Variant Classification Process June 2021. Collection method: clinical testing. Allele origin: germline. Affected: yes.
Comment: Reported with a second TMEM260 variant in a proband from a study of inpatient infants with a pattern of congenital anomalies consistent with a genetic disorder and/or presenting with an unexplained major medical condition, but patient-specific clinical information was not provided (PMID: 34930662); Reported as de novo in a proband with autism from a large cohort study, but detailed clinical information was not provided (PMID: 35982159); Frameshift variant predicted to result in abnormal protein length as the last 12 amino acids are replaced with 6 different amino acids; This variant is associated with the following publications: (PMID: 38523675, 34930662, 35982159)

Genomic Medicine Center of Excellence, King Faisal Specialist Hospital and Research Centre
Classification: Uncertain significance for Structural heart defects and renal anomalies syndrome. Last evaluated: 2024-12-19. Review status: criteria provided, single submitter. Criteria: ACMG Guidelines, 2015. Collection method: clinical testing. Allele origin: germline.

HudsonAlpha Institute for Biotechnology
Classification: Likely pathogenic for Structural heart defects and renal anomalies syndrome. Last evaluated: 2019-07-01. Review status: criteria provided, single submitter. Criteria: ACMG Guidelines, 2015. Collection method: research. Allele origin: maternal. Observed: 1 variant allele. Study: CSER-SouthSeq.
Comment: ACMG codes: PVS1, PM2

NM_017799.4(TMEM260):c.2082_2086AAGAA[1] (p.Lys696fs)

Gene: TMEM260 (transmembrane protein 260; plus strand). Cytogenetic location: 14q22.3.
Variant type: Microsatellite.
Coding change: c.2082_2086AAGAA[1] on transcript NM_017799.4 (MANE Select).
Protein change: p.Lys696fs; shifts the reading frame from lysine 696.
Molecular consequence: frameshift variant.
Genome position: GRCh38 VCF-style: chr14-56647454-TAAGAA-T. GRCh37 (hg19) VCF-style: chr14-57114172-TAAGAA-T.
Other names: c.2087_2091del, p.Lys696fs (NM_017799.4); c.2087_2091del (NM_017799.3); short protein forms K696fs.
Identifiers: ClinVar variation 689638 (VCV000689638.6), dbSNP rs568247949, ClinGen allele CA7200350.
Genomic context (GRCh38, chr14:56,647,454, plus strand): 5'-ACTCTCAGAAAGCACCGAATGACCCACAGCAAGCTGATATTTTAGGTGCTCTAAAGCACC[TAAGAA>T]AAGAACTGCAAAGTCTGAGAAATAGGAAAAATGTCTGAGACAGCAAAATATGAAAAACCT-3'